The following is an entry in ClinVar:

NM_000444.6(PHEX):c.1700G>A (p.Arg567Gln)

Genes: PHEX (phosphate regulating endopeptidase X-linked; plus strand), PTCHD1-AS (PTCHD1 and PHEX antisense RNA; minus strand). Cytogenetic location: Xp22.11.
Variant type: single nucleotide variant.
Coding change: c.1700G>A on transcript NM_000444.6 (MANE Select); coding-DNA position 1700, G replaced by A.
Protein change: p.Arg567Gln; replaces arginine 567 with glutamine.
Molecular consequence: missense variant.
Genome position (GRCh38, 1-based): chrX:22,212,958, G>A. VCF-style: chrX-22212958-G-A. GRCh37 (hg19) VCF-style: chrX-22231075-G-A.
Other names: c.1700G>A, p.Arg567Gln (NM_001282754.2); short protein forms R567Q.
Identifiers: ClinVar variation 4690283 (VCV004690283.1).

ClinVar aggregate classification (germline): Likely benign (1 of 4 stars; one submission).

Conditions:
Familial X-linked hypophosphatemic vitamin D refractory rickets (XLHRD). Also called: Hypophosphatemic Rickets, X-Linked Dominant; X-Linked Hypophosphatemia; Hypophosphatemia, vitamin D-resistant rickets; Vitamin D-resistant rickets, X-linked; HYPOPHOSPHATEMIC VITAMIN D-RESISTANT RICKETS. Identifiers: Orphanet 89936, MedGen C0733682, MONDO:0010619, OMIM 307800.

gnomAD v4.1: 7 of 1,186,915 alleles (0.00059%); highest among the groups gnomAD compares: South Asian, 0.0071%; no homozygotes.

Submission:

Centre for Medical Genetics,  Mumbai
Classification: Likely benign for Familial X-linked hypophosphatemic vitamin D refractory rickets. Last evaluated: 2026-02-02. Review status: criteria provided, single submitter. Criteria: ACMG Guidelines, 2015. Collection method: provider interpretation. Allele origin: germline. Inheritance: X-linked dominant inheritance. Affected: no. Observed: 1 heterozygote.
Comment: The variant satisfies PM2 criteria; Extremely low frequency in gnomAD population databases. The variant satisfies PM5 criteria; Different amino acid change as a known pathogenic variant. The variant satisfies PP3 criteria; For a missense or a splicing region variant, computational prediction tools unanimously support a deleterious effect on the gene. The variant satisfies PP2 criteria; Missense variant in a gene with low rate of benign missense mutations and for which missense mutation is a common mechanism of a disease. However, the variant satisfies BS2 criteria; present in heterozygous state in an individual that clinically does not have Hypophosphatemic rickets, X-linked dominant

Literature cited by the submitters: PubMed 7550339.